The following is an entry in ClinVar:

ClinVar aggregate classification (germline): Uncertain significance. Review status: criteria provided, multiple submitters, no conflicts (2 of 4 stars). 4 submissions from 4 submitters: Uncertain significance (4). Last evaluated 2025-06-10.

Conditions:
Spermatogenic failure 18. Identifiers: MedGen C4539783, MONDO:0054615, OMIM 617576.
Ciliary dyskinesia, primary, 37 (CILD37). Also called: CILIARY DYSKINESIA, PRIMARY, 37, WITH OR WITHOUT SITUS INVERSUS. Identifiers: MedGen C4539798, MONDO:0033204, OMIM 617577.

Allele frequency attached by ClinVar (database versions not stated): gnomAD 0.00003 and 0.00005; TOPMed 0.00008; ExAC 0.00009; ESP Exome Variant Server 0.00016.
gnomAD v4.1: 76 of 1,591,814 alleles (0.0048%); highest among the groups gnomAD compares: Non-Finnish European, 0.0058%; no homozygotes.

Submissions (4):

GeneDx
Classification: Uncertain significance. Last evaluated: 2025-06-10. Review status: criteria provided, single submitter. Criteria: GeneDx Variant Classification Process June 2021. Collection method: clinical testing. Allele origin: germline. Affected: yes.
Comment: In silico analysis supports that this missense variant has a deleterious effect on protein structure/function; Has not been previously published as pathogenic or benign to our knowledge

Blueprint Genetics
Classification: Uncertain significance. Last evaluated: 2024-10-02. Review status: criteria provided, single submitter. Criteria: ACMG Guidelines, 2015. Collection method: clinical testing. Allele origin: germline.

Ambry Genetics
Classification: Uncertain significance. Last evaluated: 2023-01-18. Review status: criteria provided, single submitter. Criteria: Ambry Variant Classification Scheme 2023. Collection method: clinical testing. Allele origin: germline.

Labcorp Genetics (formerly Invitae), Labcorp
Classification: Uncertain significance for Ciliary dyskinesia, primary, 37; Spermatogenic failure 18. Last evaluated: 2020-09-29. Review status: criteria provided, single submitter. Criteria: Invitae Variant Classification Sherloc (09022015). Collection method: clinical testing. Allele origin: germline.
Comment: This sequence change replaces arginine with cysteine at codon 939 of the DNAH1 protein (p.Arg939Cys). The arginine residue is moderately conserved and there is a large physicochemical difference between arginine and cysteine. This variant is present in population databases (rs372568029, ExAC 0.04%). In summary, the available evidence is currently insufficient to determine the role of this variant in disease. Therefore, it has been classified as a Variant of Uncertain Significance. Algorithms developed to predict the effect of missense changes on protein structure and function are either unavailable or do not agree on the potential impact of this missense change (SIFT: "Deleterious"; PolyPhen-2: "Benign"; Align-GVGD: "Class C15"). This variant has not been reported in the literature in individuals with DNAH1-related conditions.

NM_015512.5(DNAH1):c.2815C>T (p.Arg939Cys)

Gene: DNAH1 (dynein axonemal heavy chain 1; plus strand). Cytogenetic location: 3p21.1.
Variant type: single nucleotide variant.
Coding change: c.2815C>T on transcript NM_015512.5 (MANE Select); coding-DNA position 2815, C replaced by T.
Protein change: p.Arg939Cys; replaces arginine 939 with cysteine.
Molecular consequence: missense variant.
Genome position (GRCh38, 1-based): chr3:52,352,047, C>T. VCF-style: chr3-52352047-C-T. GRCh37 (hg19) VCF-style: chr3-52386063-C-T.
Other names: short protein forms R939C.
Identifiers: ClinVar variation 944062 (VCV000944062.8), dbSNP rs372568029, ClinGen allele CA2433395.